The following is an entry in ClinVar:

ClinVar aggregate classification (germline): Uncertain significance (1 of 4 stars; one submission).

Conditions:
Severe X-linked myotubular myopathy (CNMX). Also called: MYOTUBULAR MYOPATHY 1; X-linked centronuclear myopathy; Myotubular myopathy, X-linked. Identifiers: Orphanet 596, MedGen C0410203, MONDO:0010683, OMIM 310400.

Submission:

Labcorp Genetics (formerly Invitae), Labcorp
Classification: Uncertain significance for Severe X-linked myotubular myopathy. Last evaluated: 2025-03-26. Review status: criteria provided, single submitter. Criteria: Invitae Variant Classification Sherloc (09022015). Collection method: clinical testing. Allele origin: germline.
Comment: This sequence change replaces lysine, which is basic and polar, with glutamic acid, which is acidic and polar, at codon 516 of the MTM1 protein (p.Lys516Glu). This variant is not present in population databases (gnomAD no frequency). This variant has not been reported in the literature in individuals affected with MTM1-related conditions. ClinVar contains an entry for this variant (Variation ID: 1400305). Invitae Evidence Modeling of protein sequence and biophysical properties (such as structural, functional, and spatial information, amino acid conservation, physicochemical variation, residue mobility, and thermodynamic stability) indicates that this missense variant is not expected to disrupt MTM1 protein function with a negative predictive value of 95%. In summary, the available evidence is currently insufficient to determine the role of this variant in disease. Therefore, it has been classified as a Variant of Uncertain Significance.

NM_000252.3(MTM1):c.1546A>G (p.Lys516Glu)

Gene: MTM1 (myotubularin 1; plus strand). Cytogenetic location: Xq28.
Variant type: single nucleotide variant.
Coding change: c.1546A>G on transcript NM_000252.3 (MANE Select); coding-DNA position 1546, A replaced by G.
Protein change: p.Lys516Glu; replaces lysine 516 with glutamic acid.
Molecular consequence: missense variant.
Genome position (GRCh38, 1-based): chrX:150,663,511, A>G. VCF-style: chrX-150663511-A-G. GRCh37 (hg19) VCF-style: chrX-149831984-A-G.
Other names: c.1546A>G, p.Lys516Glu (NM_001376906.1, NM_001376908.1); c.1435A>G, p.Lys479Glu (NM_001376907.1); short protein forms K479E, K516E.
Identifiers: ClinVar variation 1400305 (VCV001400305.6), dbSNP rs868972342, ClinGen allele CA337093287.